The following is an entry in ClinVar:

ClinVar aggregate classification (germline): Uncertain significance (1 of 4 stars; one submission).

Conditions:
Inborn genetic diseases. Identifiers: MedGen C0950123, MeSH D030342.

Allele frequency attached by ClinVar (database versions not stated): gnomAD exomes below 0.00001; ExAC 0.00001.
gnomAD v4.1: 3 of 1,614,190 alleles (0.00019%); highest among the groups gnomAD compares: Non-Finnish European, 0.00025%; no homozygotes.

Submission:

Ambry Genetics
Classification: Uncertain significance for Inborn genetic diseases. Last evaluated: 2019-03-15. Review status: criteria provided, single submitter. Criteria: Ambry Variant Classification Scheme 2023. Collection method: clinical testing. Allele origin: germline.
Comment: The p.N160D variant (also known as c.478A>G), located in coding exon 3 of the CTSF gene, results from an A to G substitution at nucleotide position 478. The asparagine at codon 160 is replaced by aspartic acid, an amino acid with highly similar properties. This amino acid position is well conserved in available vertebrate species. In addition, this alteration is predicted to be tolerated by in silico analysis. Since supporting evidence is limited at this time, the clinical significance of this alteration remains unclear.

NM_003793.4(CTSF):c.478A>G (p.Asn160Asp)

Gene: CTSF (cathepsin F; minus strand). Cytogenetic location: 11q13.2.
Variant type: single nucleotide variant.
Coding change: c.478A>G on transcript NM_003793.4 (MANE Select); coding-DNA position 478, A replaced by G.
Protein change: p.Asn160Asp; replaces asparagine 160 with aspartic acid.
Molecular consequence: missense variant.
Genome position (GRCh38, 1-based): chr11:66,567,497, T>C on the plus strand (A>G on the coding strand, the complement: CTSF is on the minus strand). VCF-style: chr11-66567497-T-C. GRCh37 (hg19) VCF-style: chr11-66334968-T-C.
Other names: short protein forms N160D.
Identifiers: ClinVar variation 1743080 (VCV001743080.2), dbSNP rs772366380, ClinGen allele CA6125580.
Genomic context (GRCh38, chr11:66,567,497, plus strand): 5'-TCCTCACCTGGGACAGGGGATCCTCATTCAACAGGGAAATGACTGAGCTGAAAGTCTCGT[T>C]TCTGTTGTCTGGATGGTTTTGGGACAGAGAAGAAATCATGGCTGAGCCCTGAGTGAAGGC-3'
Protein context (NP_003784.2, residues 150-170): SLSQNHPDNR[Asn160Asp]ETFSSVISLL